The following is an entry in ClinVar:

ClinVar aggregate classification (germline): Likely benign (1 of 4 stars; one submission).

gnomAD v4.1: 6 of 1,608,284 alleles (0.00037%); highest among the groups gnomAD compares: African/African-American, 0.008%; no homozygotes.

Submission:

Mayo Clinic Laboratories, Mayo Clinic
Classification: Likely benign. Last evaluated: 2025-09-17. Review status: criteria provided, single submitter. Criteria: ACMG Guidelines, 2015. Collection method: clinical testing. Allele origin: germline. Observed: 1 variant allele.
Comment: BP4, BP7

NM_015231.3(NUP160):c.1551T>C (p.Asn517=)

Gene: NUP160 (nucleoporin 160; minus strand). Cytogenetic location: 11p11.2.
Variant type: single nucleotide variant.
Coding change: c.1551T>C on transcript NM_015231.3 (MANE Select); coding-DNA position 1551, T replaced by C.
Protein change: p.Asn517=; no amino-acid change (asparagine 517 retained).
Molecular consequence: synonymous variant. On other transcripts: non-coding transcript variant (1).
Genome position (GRCh38, 1-based): chr11:47,815,512, A>G on the plus strand (T>C on the coding strand, the complement: NUP160 is on the minus strand). VCF-style: chr11-47815512-A-G. GRCh37 (hg19) VCF-style: chr11-47837064-A-G.
Other names: p.Asn551=.
Identifiers: ClinVar variation 4683622 (VCV004683622.1).